The following is an entry in ClinVar:

NM_002474.3(MYH11):c.1696C>G (p.Pro566Ala)

Gene: MYH11 (myosin heavy chain 11; minus strand). Cytogenetic location: 16p13.11.
Variant type: single nucleotide variant.
Coding change: c.1696C>G on transcript NM_002474.3 (MANE Select); coding-DNA position 1696, C replaced by G.
Protein change: p.Pro566Ala; replaces proline 566 with alanine.
Molecular consequence: missense variant.
Genome position (GRCh38, 1-based): chr16:15,756,394, G>C on the plus strand (C>G on the coding strand, the complement: MYH11 is on the minus strand). VCF-style: chr16-15756394-G-C. GRCh37 (hg19) VCF-style: chr16-15850251-G-C.
Other names: c.1717C>G, p.Pro573Ala (NM_001040113.2, NM_001040114.2); c.1696C>G, p.Pro566Ala (NM_022844.3); short protein forms P566A, P573A.
Identifiers: ClinVar variation 1316429 (VCV001316429.2), dbSNP rs2151272880, ClinGen allele CA394870352.

ClinVar aggregate classification (germline): Uncertain significance (1 of 4 stars; one submission).

Submission:

GeneDx
Classification: Uncertain significance. Last evaluated: 2019-09-10. Review status: criteria provided, single submitter. Criteria: GeneDx Variant Classification Process June 2021. Collection method: clinical testing. Allele origin: germline. Affected: yes.
Comment: Has not been previously published as pathogenic or benign to our knowledge; Not observed in large population cohorts (Lek et al., 2016); In silico analysis, which includes protein predictors and evolutionary conservation, supports a deleterious effect